The following is an entry in ClinVar:

NM_032043.3(BRIP1):c.258T>C (p.Cys86=)

Gene: BRIP1 (BRCA1 interacting DNA helicase 1; minus strand). Cytogenetic location: 17q23.2.
Variant type: single nucleotide variant.
Coding change: c.258T>C on transcript NM_032043.3 (MANE Select); coding-DNA position 258, T replaced by C.
Protein change: p.Cys86=; no amino-acid change (cysteine 86 retained).
Molecular consequence: synonymous variant.
Genome position (GRCh38, 1-based): chr17:61,857,179, A>G on the plus strand (T>C on the coding strand, the complement: BRIP1 is on the minus strand). VCF-style: chr17-61857179-A-G. GRCh37 (hg19) VCF-style: chr17-59934540-A-G.
Identifiers: ClinVar variation 1793509 (VCV001793509.3), dbSNP rs2145829990, ClinGen allele CA501151415.

ClinVar aggregate classification (germline): Benign/Likely benign. Review status: criteria provided, multiple submitters, no conflicts (2 of 4 stars). 2 submissions from 2 submitters: Benign (1); Likely benign (1). Last evaluated 2024-08-12.

Conditions:
Hereditary cancer-predisposing syndrome. Also called: Tumor predisposition; Hereditary Cancer Syndrome; Neoplastic Syndromes, Hereditary; Hereditary neoplastic syndrome. Identifiers: Orphanet 140162, MedGen C0027672, MeSH D009386, MONDO:0015356.
Familial cancer of breast. Also called: Hereditary breast cancer; BREAST CANCER, FAMILIAL; hereditary breast carcinoma. Identifiers: Orphanet 227535, MedGen C0346153, MONDO:0016419, OMIM 114480. Disease mechanism: loss of function.

Submissions (2):

Myriad Genetics, Inc.
Classification: Benign for Familial cancer of breast. Last evaluated: 2024-08-12. Review status: criteria provided, single submitter. Criteria: Myriad Autosomal Dominant, Autosomal Recessive and X-Linked Classification Criteria (2023). Collection method: clinical testing. Allele origin: unknown.
Comment: This variant is considered benign. This variant is a silent/synonymous amino acid change and it is not expected to impact splicing.

Ambry Genetics
Classification: Likely benign for Hereditary cancer-predisposing syndrome. Last evaluated: 2020-06-19. Review status: criteria provided, single submitter. Criteria: Ambry Variant Classification Scheme 2023. Collection method: clinical testing. Allele origin: germline.